The following is an entry in ClinVar:

NM_004606.5(TAF1):c.395A>G (p.Asp132Gly)

Gene: TAF1 (TATA-box binding protein associated factor 1; plus strand). Cytogenetic location: Xq13.1.
Variant type: single nucleotide variant.
Coding change: c.395A>G on transcript NM_004606.5 (MANE Select); coding-DNA position 395, A replaced by G.
Protein change: p.Asp132Gly; replaces aspartic acid 132 with glycine.
Molecular consequence: missense variant. On other transcripts: non-coding transcript variant (9).
Genome position (GRCh38, 1-based): chrX:71,375,209, A>G. VCF-style: chrX-71375209-A-G. GRCh37 (hg19) VCF-style: chrX-70595059-A-G.
Other names: c.395A>G, p.Asp132Gly (NM_001286074.2, NM_138923.4); short protein forms D132G.
Identifiers: ClinVar variation 3772031 (VCV003772031.13).

ClinVar aggregate classification (germline): Uncertain significance (1 of 4 stars; one submission).

Submission:

CeGaT Center for Human Genetics Tuebingen
Classification: Uncertain significance. Last evaluated: 2024-12-01. Review status: criteria provided, single submitter. Criteria: CeGaT Center For Human Genetics Tuebingen Variant Classification Criteria Version 2. Collection method: clinical testing. Allele origin: germline. Affected: yes. Observed: 1 variant allele.
Comment: TAF1: PM2